The following is an entry in ClinVar:

ClinVar aggregate classification (germline): Uncertain significance (1 of 4 stars; one submission).

Submission:

Labcorp Genetics (formerly Invitae), Labcorp
Classification: Uncertain significance. Last evaluated: 2025-07-15. Review status: criteria provided, single submitter. Criteria: Invitae Variant Classification Sherloc (09022015). Collection method: clinical testing. Allele origin: germline.
Comment: This sequence change replaces glutamine, which is neutral and polar, with arginine, which is basic and polar, at codon 202 of the NKX2-1 protein (p.Gln202Arg). This variant is not present in population databases (gnomAD no frequency). This missense change has been observed in individuals with clinical features of NKX2-1-related conditions (PMID: 35079915, 35895569; internal data). ClinVar contains an entry for this variant (Variation ID: 1994716). An algorithm developed to predict the effect of missense changes on protein structure and function (PolyPhen-2) suggests that this variant is likely to be tolerated. This variant disrupts the p.Gln202 amino acid residue in NKX2-1. Other variant(s) that disrupt this residue have been observed in individuals with NKX2-1-related conditions (PMID: 26723978), which suggests that this may be a clinically significant amino acid residue. In summary, the available evidence is currently insufficient to determine the role of this variant in disease. Therefore, it has been classified as a Variant of Uncertain Significance.

Literature cited by the submitters: PubMed 35079915; PubMed 35895569; PubMed 26723978.

NM_001079668.3(NKX2-1):c.605A>G (p.Gln202Arg)

Genes: NKX2-1 (NK2 homeobox 1; minus strand), SFTA3 (surfactant associated 3; minus strand). Cytogenetic location: 14q13.3.
Variant type: single nucleotide variant.
Coding change: c.605A>G on transcript NM_001079668.3 (MANE Select); coding-DNA position 605, A replaced by G.
Protein change: p.Gln202Arg; replaces glutamine 202 with arginine.
Molecular consequence: missense variant.
Genome position (GRCh38, 1-based): chr14:36,517,879, T>C on the plus strand (A>G on the coding strand, the complement: NKX2-1 is on the minus strand). VCF-style: chr14-36517879-T-C. GRCh37 (hg19) VCF-style: chr14-36987084-T-C.
Other names: c.515A>G, p.Gln172Arg (NM_003317.4); short protein forms Q202R, Q172R.
Identifiers: ClinVar variation 1994716 (VCV001994716.4), dbSNP rs2139407723, ClinGen allele CA389459449.
Genomic context (GRCh38, chr14:36,517,879, plus strand): 5'-TCGCGCTCCGGCGCCGACAGGTACTTCTGTTGCTTGAAGCGTCGCTCCAGCTCGTACACC[T>C]GCGCCTGCGAGAAGAGCACCCGGCGCTTCCTGCGCGGCGCGCTTGGCAGCGGGGCCATGT-3'
Protein context (NP_001073136.1, residues 192-212): RKRRVLFSQA[Gln202Arg]VYELERRFKQ